The following is an entry in ClinVar:

NM_198578.4(LRRK2):c.3215C>T (p.Pro1072Leu)

Gene: LRRK2 (leucine rich repeat kinase 2; plus strand). Cytogenetic location: 12q12.
Variant type: single nucleotide variant.
Coding change: c.3215C>T on transcript NM_198578.4 (MANE Select); coding-DNA position 3215, C replaced by T.
Protein change: p.Pro1072Leu; replaces proline 1072 with leucine.
Molecular consequence: missense variant.
Genome position (GRCh38, 1-based): chr12:40,298,361, C>T. VCF-style: chr12-40298361-C-T. GRCh37 (hg19) VCF-style: chr12-40692163-C-T.
Other names: short protein forms P1072L.
Identifiers: ClinVar variation 1728982 (VCV001728982.2), dbSNP rs753554148, ClinGen allele CA235348706.

ClinVar aggregate classification (germline): Uncertain significance (1 of 4 stars; one submission).

Conditions:
Inborn genetic diseases. Identifiers: MedGen C0950123, MeSH D030342.

Allele frequency attached by ClinVar (database versions not stated): gnomAD 0.00001; TOPMed 0.00001.
gnomAD v4.1: 5 of 1,613,622 alleles (0.00031%); highest among the groups gnomAD compares: Non-Finnish European, 0.00042%; no homozygotes.

Submission:

Ambry Genetics
Classification: Uncertain significance for Inborn genetic diseases. Last evaluated: 2024-01-20. Review status: criteria provided, single submitter. Criteria: Ambry Variant Classification Scheme 2023. Collection method: clinical testing. Allele origin: germline.
Comment: The p.P1072L variant (also known as c.3215C>T), located in coding exon 24 of the LRRK2 gene, results from a C to T substitution at nucleotide position 3215. The proline at codon 1072 is replaced by leucine, an amino acid with similar properties. This amino acid position is conserved. In addition, the in silico prediction for this alteration is inconclusive. Since supporting evidence is limited at this time, the clinical significance of this alteration remains unclear.